The following is an entry in ClinVar:

NM_002474.3(MYH11):c.3180G>A (p.Leu1060=)

Gene: MYH11 (myosin heavy chain 11; minus strand). Cytogenetic location: 16p13.11.
Variant type: single nucleotide variant.
Coding change: c.3180G>A on transcript NM_002474.3 (MANE Select); coding-DNA position 3180, G replaced by A.
Protein change: p.Leu1060=; no amino-acid change (leucine 1060 retained).
Molecular consequence: synonymous variant.
Genome position (GRCh38, 1-based): chr16:15,737,562, C>T on the plus strand (G>A on the coding strand, the complement: MYH11 is on the minus strand). VCF-style: chr16-15737562-C-T. GRCh37 (hg19) VCF-style: chr16-15831419-C-T.
Other names: c.3201G>A, p.Leu1067= (NM_001040113.2, NM_001040114.2); c.3180G>A, p.Leu1060= (NM_022844.3); c.3180G>A (NM_002474.2).
Identifiers: ClinVar variation 704608 (VCV000704608.17), dbSNP rs768243572, ClinGen allele CA7922069.

ClinVar aggregate classification (germline): Likely benign. Review status: criteria provided, multiple submitters, no conflicts (2 of 4 stars). 5 submissions from 5 submitters: Likely benign (5). Last evaluated 2026-02-01.

Conditions:
Familial thoracic aortic aneurysm and aortic dissection (TAAD). Also called: Thoracic aortic aneurysms and dissections. Identifiers: Orphanet 91387, MedGen C4707243, MONDO:0019625.
Aortic aneurysm, familial thoracic 4 (AAT4). Also called: AORTIC ANEURYSM/AORTIC DISSECTION AND PATENT DUCTUS ARTERIOSUS. Identifiers: MedGen C1851504, MONDO:0007568, OMIM 132900.

Allele frequency attached by ClinVar (database versions not stated): gnomAD exomes 0.00001; ExAC 0.00002; TOPMed 0.00003.
gnomAD v4.1: 4 of 1,614,026 alleles (0.00025%); highest among the groups gnomAD compares: Admixed American, 0.005%; no homozygotes.

Submissions (5):

CeGaT Center for Human Genetics Tuebingen
Classification: Likely benign. Last evaluated: 2026-02-01. Review status: criteria provided, single submitter. Criteria: CeGaT Center For Human Genetics Tuebingen Variant Classification Criteria Version 2. Collection method: clinical testing. Allele origin: germline. Affected: yes. Observed: 1 variant allele.
Comment: MYH11: BP4, BP7

Labcorp Genetics (formerly Invitae), Labcorp
Classification: Likely benign for Aortic aneurysm, familial thoracic 4. Last evaluated: 2025-09-23. Review status: criteria provided, single submitter. Criteria: Invitae Variant Classification Sherloc (09022015). Collection method: clinical testing. Allele origin: germline.

Ambry Genetics
Classification: Likely benign for Familial thoracic aortic aneurysm and aortic dissection. Last evaluated: 2025-01-31. Review status: criteria provided, single submitter. Criteria: Ambry Variant Classification Scheme 2023. Collection method: clinical testing. Allele origin: germline.

All of Us Research Program, National Institutes of Health
Classification: Likely benign for Familial thoracic aortic aneurysm and aortic dissection. Last evaluated: 2023-10-23. Review status: criteria provided, single submitter. Criteria: ACMG Guidelines, 2015. Collection method: clinical testing. Allele origin: germline. Inheritance: Autosomal dominant inheritance. Observed: 2 variant alleles, 2 heterozygotes.
Comment: This study involves interpretation of variants in research participants for the purpose of population health screening. Participant phenotype was not available at the time of variant classification. Additional details can be found in publication PMID: 35346344, PMCID: PMC8962531

Color Diagnostics, LLC DBA Color Health
Classification: Likely benign for Familial thoracic aortic aneurysm and aortic dissection. Last evaluated: 2022-11-06. Review status: criteria provided, single submitter. Criteria: ACMG Guidelines, 2015. Collection method: clinical testing. Allele origin: germline.